The following is an entry in ClinVar:

ClinVar aggregate classification (germline): Uncertain significance. Review status: criteria provided, multiple submitters, no conflicts (2 of 4 stars). 3 submissions from 3 submitters: Uncertain significance (3). Last evaluated 2025-10-01.

Allele frequency attached by ClinVar (database versions not stated): gnomAD 0.00001 and 0.00002; 1000 Genomes Project 30x 0.00016; 1000 Genomes Project 0.00020.
gnomAD v4.1: 5 of 1,614,240 alleles (0.00031%); highest among the groups gnomAD compares: Admixed American, 0.0067%; no homozygotes.

Submissions (3):

Labcorp Genetics (formerly Invitae), Labcorp
Classification: Uncertain significance. Last evaluated: 2025-10-01. Review status: criteria provided, single submitter. Criteria: Invitae Variant Classification Sherloc (09022015). Collection method: clinical testing. Allele origin: germline.
Comment: This sequence change replaces arginine, which is basic and polar, with lysine, which is basic and polar, at codon 441 of the SLC39A7 protein (p.Arg441Lys). This variant is not present in population databases (gnomAD no frequency). This variant has not been reported in the literature in individuals affected with SLC39A7-related conditions. ClinVar contains an entry for this variant (Variation ID: 1517232). An algorithm developed to predict the effect of missense changes on protein structure and function outputs the following: PolyPhen-2: "Benign". The lysine amino acid residue is found in multiple mammalian species, which suggests that this missense change does not adversely affect protein function. In summary, the available evidence is currently insufficient to determine the role of this variant in disease. Therefore, it has been classified as a Variant of Uncertain Significance.

Ambry Genetics
Classification: Uncertain significance. Last evaluated: 2025-03-26. Review status: criteria provided, single submitter. Criteria: Ambry Variant Classification Scheme 2023. Collection method: clinical testing. Allele origin: germline.

Breakthrough Genomics
Classification: Uncertain significance. Review status: criteria provided, single submitter. Criteria: ACMG Guidelines, 2015. Collection method: not provided. Allele origin: germline. Inheritance: Autosomal recessive inheritance. Affected: yes.

NM_006979.3(SLC39A7):c.1322G>A (p.Arg441Lys)

Gene: SLC39A7 (solute carrier family 39 member 7; plus strand). Cytogenetic location: 6p21.32.
Variant type: single nucleotide variant.
Coding change: c.1322G>A on transcript NM_006979.3 (MANE Select); coding-DNA position 1322, G replaced by A.
Protein change: p.Arg441Lys; replaces arginine 441 with lysine.
Molecular consequence: missense variant.
Genome position (GRCh38, 1-based): chr6:33,203,725, G>A. VCF-style: chr6-33203725-G-A. GRCh37 (hg19) VCF-style: chr6-33171502-G-A.
Other names: c.1322G>A, p.Arg441Lys (NM_001077516.2); c.947G>A, p.Arg316Lys (NM_001288777.2); c.1322G>A (NM_006979.2); short protein forms R316K, R441K.
Identifiers: ClinVar variation 1517232 (VCV001517232.7), dbSNP rs200525744, ClinGen allele CA3752453.